The following is an entry in ClinVar:

ClinVar aggregate classification (germline): Uncertain significance (1 of 4 stars; one submission).

Submission:

GeneDx
Classification: Uncertain significance. Last evaluated: 2021-04-01. Review status: criteria provided, single submitter. Criteria: GeneDx Variant Classification Process June 2021. Collection method: clinical testing. Allele origin: germline. Affected: yes.
Comment: Has not been previously published as pathogenic or benign to our knowledge; Not observed in large population cohorts (Lek et al., 2016); In silico analysis, which includes protein predictors and evolutionary conservation, supports a deleterious effect

NM_002474.3(MYH11):c.59TCA[1] (p.Ile21del)

Gene: MYH11 (myosin heavy chain 11; minus strand). Cytogenetic location: 16p13.11.
Variant type: Microsatellite.
Coding change: c.59TCA[1] on transcript NM_002474.3 (MANE Select); one copy of the 3-base unit TCA starting at c.59; the reference has two copies in a row; one copy, 3 bases deleted.
Protein change: p.Ile21del; deletes isoleucine 21.
Molecular consequence: inframe deletion.
Genome position (GRCh38, 1-based): chr16:15,838,189-15,838,191, TGA deleted on the plus strand (TCA on the coding strand, the reverse complement: MYH11 is on the minus strand); deleting any 3 consecutive bases within chr16:15,838,189-15,838,194 gives the same sequence; the position shown is the placement nearest the transcript's 3' end. VCF-style (leftmost placement, unchanged base first): chr16-15838188-TTGA-T. GRCh37 (hg19) VCF-style: chr16-15932045-TTGA-T.
Other names: c.59TCA[1], p.Ile21del (NM_001040113.2, NM_001040114.2, NM_022844.3); short protein forms I21del.
Identifiers: ClinVar variation 1317460 (VCV001317460.2), dbSNP rs1257655501, ClinGen allele CA718495619.